The following is an entry in ClinVar:

ClinVar aggregate classification (germline): Uncertain significance. Review status: criteria provided, multiple submitters, no conflicts (2 of 4 stars). 2 submissions from 2 submitters: Uncertain significance (2). Last evaluated 2022-11-29.

Allele frequency attached by ClinVar (database versions not stated): gnomAD exomes below 0.00001; TOPMed below 0.00001; ExAC 0.00001.
gnomAD v4.1: 6 of 1,611,790 alleles (0.00037%); highest among the groups gnomAD compares: East Asian, 0.0089%; no homozygotes.

Submissions (2):

Labcorp Genetics (formerly Invitae), Labcorp
Classification: Uncertain significance. Last evaluated: 2022-11-29. Review status: criteria provided, single submitter. Criteria: Invitae Variant Classification Sherloc (09022015). Collection method: clinical testing. Allele origin: germline.
Comment: Algorithms developed to predict the effect of missense changes on protein structure and function are either unavailable or do not agree on the potential impact of this missense change (SIFT: "Deleterious"; PolyPhen-2: "Possibly Damaging"; Align-GVGD: "Class C0"). In summary, the available evidence is currently insufficient to determine the role of this variant in disease. Therefore, it has been classified as a Variant of Uncertain Significance. This variant is also known as c.2152G>A (p.E709K). This missense change has been observed in individual(s) with familial exudative vitreoretinopathy (PMID: 30452590, 31169861). This variant is present in population databases (rs768822184, gnomAD 0.01%). This sequence change replaces glutamic acid, which is acidic and polar, with lysine, which is basic and polar, at codon 717 of the ZNF408 protein (p.Glu717Lys).

Blueprint Genetics
Classification: Uncertain significance. Last evaluated: 2022-05-31. Review status: criteria provided, single submitter. Criteria: ACMG Guidelines, 2015. Collection method: clinical testing. Allele origin: germline.

Literature cited by the submitters: PubMed 30452590 (cited by Labcorp Genetics (formerly Invitae), Labcorp); PubMed 31169861 (cited by Labcorp Genetics (formerly Invitae), Labcorp).

NM_024741.3(ZNF408):c.2149G>A (p.Glu717Lys)

Gene: ZNF408 (zinc finger protein 408; plus strand). Cytogenetic location: 11p11.2.
Variant type: single nucleotide variant.
Coding change: c.2149G>A on transcript NM_024741.3 (MANE Select); coding-DNA position 2149, G replaced by A.
Protein change: p.Glu717Lys; replaces glutamic acid 717 with lysine.
Molecular consequence: missense variant.
Genome position (GRCh38, 1-based): chr11:46,705,849, G>A. VCF-style: chr11-46705849-G-A. GRCh37 (hg19) VCF-style: chr11-46727399-G-A.
Other names: c.2125G>A, p.Glu709Lys (NM_001184751.2); short protein forms E709K, E717K.
Identifiers: ClinVar variation 2884033 (VCV002884033.4), dbSNP rs768822184, ClinGen allele CA5966729.
Genomic context (GRCh38, chr11:46,705,849, plus strand): 5'-AGCCTGGTGCTAATCCATAAGGACATGGGCCTCGGCGCCTGGGCAGAGGTGGTGGAGGTG[G>A]AGATGGGCACCTGACAGCTTTGCCTTTTGCTGACACAGCTCCATAAAGACTCGTGCTTTC-3'
Protein context (NP_079017.1, residues 707-720): LGAWAEVVEV[Glu717Lys]MGT